The following is an entry in ClinVar:

ClinVar aggregate classification (germline): Uncertain significance (1 of 4 stars; one submission).

Conditions:
Immunodeficiency-centromeric instability-facial anomalies syndrome 2 (ICF2). Identifiers: Orphanet 2268, MedGen C3279748, MONDO:0013553, OMIM 614069.

Allele frequency attached by ClinVar (database versions not stated): gnomAD exomes below 0.00001.
gnomAD v4.1: 6 of 1,614,200 alleles (0.00037%); highest among the groups gnomAD compares: Non-Finnish European, 0.00051%; no homozygotes.

Submission:

Labcorp Genetics (formerly Invitae), Labcorp
Classification: Uncertain significance for Immunodeficiency-centromeric instability-facial anomalies syndrome 2. Last evaluated: 2021-08-17. Review status: criteria provided, single submitter. Criteria: Invitae Variant Classification Sherloc (09022015). Collection method: clinical testing. Allele origin: germline.
Comment: This sequence change replaces glutamine with histidine at codon 675 of the ZBTB24 protein (p.Gln675His). The glutamine residue is weakly conserved and there is a small physicochemical difference between glutamine and histidine. This variant is not present in population databases (ExAC no frequency). This variant has not been reported in the literature in individuals affected with ZBTB24-related conditions. Algorithms developed to predict the effect of missense changes on protein structure and function are either unavailable or do not agree on the potential impact of this missense change (SIFT: "Not Available"; PolyPhen-2: "Benign"; Align-GVGD: "Not Available"). In summary, the available evidence is currently insufficient to determine the role of this variant in disease. Therefore, it has been classified as a Variant of Uncertain Significance.

NM_014797.3(ZBTB24):c.2025G>C (p.Gln675His)

Genes: MICAL1 (microtubule associated monooxygenase, calponin and LIM domain containing 1; minus strand), ZBTB24 (zinc finger and BTB domain containing 24; minus strand). Cytogenetic location: 6q21.
Variant type: single nucleotide variant.
Coding change: c.2025G>C on transcript NM_014797.3 (MANE Select); coding-DNA position 2025, G replaced by C.
Protein change: p.Gln675His; replaces glutamine 675 with histidine.
Molecular consequence: missense variant. On other transcripts: 5 prime UTR variant (1).
Genome position (GRCh38, 1-based): chr6:109,465,920, C>G on the plus strand (G>C on the coding strand, the complement: ZBTB24 is on the minus strand). VCF-style: chr6-109465920-C-G. GRCh37 (hg19) VCF-style: chr6-109787123-C-G.
Other names: c.-243G>C (NM_001286613.2); short protein forms Q675H.
Identifiers: ClinVar variation 1388944 (VCV001388944.7), dbSNP rs2115352900, ClinGen allele CA365193540.